The following is an entry in ClinVar:

NM_001430.5(EPAS1):c.370-1G>A

Gene: EPAS1 (endothelial PAS domain protein 1; plus strand). Cytogenetic location: 2p21.
Variant type: single nucleotide variant.
Coding change: c.370-1G>A on transcript NM_001430.5 (MANE Select); the canonical splice acceptor site of the intron before coding-DNA position 370, G replaced by A.
Molecular consequence: splice acceptor variant.
Genome position (GRCh38, 1-based): chr2:46,356,723, G>A. VCF-style: chr2-46356723-G-A. GRCh37 (hg19) VCF-style: chr2-46583862-G-A.
Identifiers: ClinVar variation 4976028 (VCV004976028.1).

ClinVar aggregate classification (germline): Uncertain significance (1 of 4 stars; one submission).

Submission:

GeneDx
Classification: Uncertain significance. Last evaluated: 2026-02-01. Review status: criteria provided, single submitter. Criteria: GeneDx Variant Classification Process June 2021. Collection method: clinical testing. Allele origin: germline.
Comment: Not observed at significant frequency in large population cohorts (gnomAD); Canonical splice site variant in a gene for which loss of function is not an established mechanism of disease; Has not been previously published as pathogenic or benign to our knowledge.